The following is an entry in ClinVar:

NM_001105206.3(LAMA4):c.3834+3_3834+6del

Gene: LAMA4 (laminin subunit alpha 4; minus strand). Cytogenetic location: 6q21.
Variant type: Deletion.
Coding change: c.3834+3_3834+6del on transcript NM_001105206.3 (MANE Select); bases 3 to 6 of the intron after coding-DNA position 3834, 4 bases deleted (AAGT; older notation c.3834+3_3834+6delAAGT).
Molecular consequence: splice donor variant.
Genome position (GRCh38, 1-based): chr6:112,132,747-112,132,750, ACTT deleted on the plus strand (AAGT on the coding strand, the reverse complement: LAMA4 is on the minus strand); deleting any 4 consecutive bases within chr6:112,132,747-112,132,752 gives the same sequence; the c. name uses the placement nearest the transcript's 3' end. VCF-style (leftmost placement, unchanged base first): chr6-112132746-CACTT-C. GRCh37 (hg19) VCF-style: chr6-112453948-CACTT-C.
Other names: c.3813+3_3813+6del (NM_002290.5, NM_001105207.3).
Identifiers: ClinVar variation 1735174 (VCV001735174.2), dbSNP rs782077950, ClinGen allele CA3965121.
Genomic context (GRCh38, chr6:112,132,746, plus strand): 5'-CAAATTATTTTTAATAGGCAAAACAATTATCACAAAGAAGTTTCCTCAGAGAAAAACAAA[CACTT>C]ACCCCTGAAGCATAATAGAATAGTAACCCATTTGGTTGTAATGTTCGGAAATTAAAACCT-3'

ClinVar aggregate classification (germline): Uncertain significance (1 of 4 stars; one submission).

Conditions:
Cardiovascular phenotype. Identifiers: MedGen CN230736.

Submission:

Ambry Genetics
Classification: Uncertain significance for Cardiovascular phenotype. Last evaluated: 2020-08-13. Review status: criteria provided, single submitter. Criteria: Ambry Variant Classification Scheme 2023. Collection method: clinical testing. Allele origin: germline.
Comment: The c.3813+3_3813+6delAAGT intronic variant, located in intron 27 of the LAMA4 gene, results from a deletion of 4 nucleotides within intron 27 of the LAMA4 gene. These nucleotide positions are well conserved in available vertebrate species. In silico splice site analysis predicts that this alteration will weaken the native splice donor site. Since supporting evidence is limited at this time, the clinical significance of this alteration remains unclear.